The following is an entry in ClinVar:

NM_001384732.1(CPLANE1):c.8922G>T (p.Gly2974=)

Gene: CPLANE1 (ciliogenesis and planar polarity effector complex subunit 1; minus strand). Cytogenetic location: 5p13.2.
Variant type: single nucleotide variant.
Coding change: c.8922G>T on transcript NM_001384732.1 (MANE Select); coding-DNA position 8922, G replaced by T.
Protein change: p.Gly2974=; no amino-acid change (glycine 2974 retained).
Molecular consequence: synonymous variant.
Genome position (GRCh38, 1-based): chr5:37,125,280, C>A on the plus strand (G>T on the coding strand, the complement: CPLANE1 is on the minus strand). VCF-style: chr5-37125280-C-A. GRCh37 (hg19) VCF-style: chr5-37125382-C-A.
Other names: c.8760G>T, p.Gly2920= (NM_023073.4).
Identifiers: ClinVar variation 470166 (VCV000470166.19), dbSNP rs370013757, ClinGen allele CA3237631.
Genomic context (GRCh38, chr5:37,125,280, plus strand): 5'-TTACCCTTGACATGGCAGACTTACTGGATTGCTTCTGGGACAGAAAGGATCATGTTCTTG[C>A]CCTCTCTTTTCTGCCAGCTCATTTAAGTACTTTGCCATTCTTTCTTTTCGTTTTCTTTTC-3'
Protein context (NP_001371661.1, residues 2964-2984): KYLNELAEKR[Gly2974=]QEHDPFCPRS

ClinVar aggregate classification (germline): Likely benign. Review status: criteria provided, multiple submitters, no conflicts (2 of 4 stars). 3 submissions from 3 submitters: Likely benign (3). Last evaluated 2026-01-20.

Allele frequency attached by ClinVar (database versions not stated): TOPMed 0.00008; gnomAD 0.00009 and 0.00010; ESP Exome Variant Server 0.00023.
gnomAD v4.1: 179 of 1,613,816 alleles (0.011%); highest among the groups gnomAD compares: Non-Finnish European, 0.014%; no homozygotes.

Submissions (4):

Labcorp Genetics (formerly Invitae), Labcorp
Classification: Likely benign. Last evaluated: 2026-01-20. Review status: criteria provided, single submitter. Criteria: Invitae Variant Classification Sherloc (09022015). Collection method: clinical testing. Allele origin: germline.

CeGaT Center for Human Genetics Tuebingen
Classification: Likely benign. Last evaluated: 2025-03-01. Review status: criteria provided, single submitter. Criteria: CeGaT Center For Human Genetics Tuebingen Variant Classification Criteria Version 2. Collection method: clinical testing. Allele origin: germline. Affected: yes. Observed: 1 variant allele.
Comment: CPLANE1: BP4, BP7

Blueprint Genetics
Classification: Likely benign. Last evaluated: 2024-11-05. Review status: criteria provided, single submitter. Criteria: ACMG Guidelines, 2015. Collection method: clinical testing. Allele origin: germline.

Dr. Peter K. Rogan Lab, Western University
No classification provided (evidence only). Condition: Colon adenocarcinoma. Review status: no classification provided. Collection method: in vitro. Allele origin: not applicable. Functional consequence: retained intron. Not counted in ClinVar's aggregate classification.